The following is an entry in ClinVar:

ClinVar aggregate classification (germline): Conflicting classifications of pathogenicity. Review status: criteria provided, conflicting classifications (1 of 4 stars). 11 submissions from 7 submitters: Uncertain significance (7); Benign (1); Likely benign (3). Last evaluated 2026-09-16.

Conditions:
TTN-related disorder. Also called: TTN-related condition; TTN-related disease; TTN-related disorders.
Early-onset myopathy with fatal cardiomyopathy (CMYO5). Also called: Salih Myopathy; CONGENITAL MYOPATHY 5 WITH CARDIOMYOPATHY. Identifiers: Orphanet 289377, MedGen C2673677, MONDO:0012714, OMIM 611705. Disease mechanism: loss of function.
Autosomal recessive limb-girdle muscular dystrophy type 2J (LGMDR10). Also called: Limb-girdle muscular dystrophy, type 2J; MUSCULAR DYSTROPHY, LIMB-GIRDLE, AUTOSOMAL RECESSIVE 10. Identifiers: Orphanet 140922, MedGen C1837342, MONDO:0012127, OMIM 608807.
Dilated cardiomyopathy 1G (CMD1G). Identifiers: Orphanet 154, MedGen C1858763, MONDO:0011400, OMIM 604145.
Myopathy, myofibrillar, 9, with early respiratory failure (MFM9). Also called: EDSTROM MYOPATHY; MYOPATHY, PROXIMAL, WITH EARLY RESPIRATORY MUSCLE INVOLVEMENT; Myopathy, distal, with early respiratory failure, autosomal dominant; Hereditary myopathy with early respiratory failure. Identifiers: Orphanet 178464, Orphanet 34521, MedGen C1863599, MONDO:0011362, OMIM 603689.
Tibial muscular dystrophy (TMD). Also called: Tibial muscular dystrophy, tardive; UDD MYOPATHY; Udd Distal Myopathy – Tibial Muscular Dystrophy. Identifiers: Orphanet 609, MedGen C1838244, MONDO:0010870, OMIM 600334.

Allele frequency attached by ClinVar (database versions not stated): TOPMed 0.00008; gnomAD exomes 0.00010; ExAC 0.00012; gnomAD 0.00013.
gnomAD v4.1: 160 of 1,613,206 alleles (0.0099%); highest among the groups gnomAD compares: Admixed American, 0.03%; no homozygotes.

Submissions (11):

PreventionGenetics, part of Exact Sciences
Classification: Uncertain significance for TTN-related condition. Last evaluated: 2026-09-16. Review status: criteria provided, single submitter. Criteria: ACMG Guidelines, 2015. Collection method: clinical testing. Allele origin: germline.
Comment: The TTN c.20418A>C variant is predicted to result in the amino acid substitution p.Lys6806Asn. To our knowledge, this variant has not been reported in the literature. This variant is reported in 0.028% of alleles in individuals of Latino descent in gnomAD. Although we suspect that this variant may be benign, at this time, the clinical significance of this variant is uncertain due to the absence of conclusive functional and genetic evidence.

Women's Health and Genetics/Laboratory Corporation of America, LabCorp
Classification: Uncertain significance. Last evaluated: 2025-03-14. Review status: criteria provided, single submitter. Criteria: LabCorp Variant Classification Summary - May 2015. Collection method: clinical testing. Allele origin: germline.
Comment: Variant summary: TTN c.16686A>C (p.Lys5562Asn) results in a non-conservative amino acid change in the encoded protein sequence. Two of three in-silico tools predict a damaging effect of the variant on protein function. The variant allele was found at a frequency of 9.7e-05 in 248132 control chromosomes (gnomAD). This frequency is not significantly higher than estimated for a pathogenic variant in TTN causing Autosomal Recessive Titinopathy (9.7e-05 vs 0.00039), allowing no conclusion about variant significance. To our knowledge, no occurrence of c.16686A>C in individuals affected with Autosomal Recessive Titinopathy and no experimental evidence demonstrating its impact on protein function have been reported. ClinVar contains an entry for this variant (Variation ID: 203288). Based on the evidence outlined above, the variant was classified as uncertain significance.

Blueprint Genetics
Classification: Likely benign. Last evaluated: 2024-06-07. Review status: criteria provided, single submitter. Criteria: ACMG Guidelines, 2015. Collection method: clinical testing. Allele origin: germline.

CeGaT Center for Human Genetics Tuebingen
Classification: Uncertain significance. Last evaluated: 2022-03-01. Review status: criteria provided, single submitter. Criteria: CeGaT Center For Human Genetics Tuebingen Variant Classification Criteria Version 2. Collection method: clinical testing. Allele origin: germline. Affected: yes. Observed: 1 variant allele.

Revvity Omics, Revvity
Classification: Uncertain significance. Last evaluated: 2020-10-05. Review status: criteria provided, single submitter. Criteria: ACMG Guidelines, 2015. Collection method: clinical testing. Allele origin: germline.

GeneDx
Classification: Likely benign. Last evaluated: 2020-09-04. Review status: criteria provided, single submitter. Criteria: GeneDx Variant Classification Process June 2021. Collection method: clinical testing. Allele origin: germline. Affected: yes.

Illumina Laboratory Services, Illumina
Classification: Uncertain significance for Early-onset myopathy with fatal cardiomyopathy. Last evaluated: 2018-01-13. Review status: criteria provided, single submitter. Criteria: ICSL Variant Classification Criteria 13 December 2019. Collection method: clinical testing. Allele origin: germline.

Illumina Laboratory Services, Illumina
Classification: Uncertain significance for Dilated cardiomyopathy 1G. Last evaluated: 2018-01-13. Review status: criteria provided, single submitter. Criteria: ICSL Variant Classification Criteria 13 December 2019. Collection method: clinical testing. Allele origin: germline.

Illumina Laboratory Services, Illumina
Classification: Uncertain significance for Autosomal recessive limb-girdle muscular dystrophy type 2J. Last evaluated: 2018-01-13. Review status: criteria provided, single submitter. Criteria: ICSL Variant Classification Criteria 13 December 2019. Collection method: clinical testing. Allele origin: germline.

Illumina Laboratory Services, Illumina
Classification: Benign for Tibial muscular dystrophy. Last evaluated: 2018-01-13. Review status: criteria provided, single submitter. Criteria: ICSL Variant Classification Criteria 13 December 2019. Collection method: clinical testing. Allele origin: germline.
Comment: This variant was observed in the ICSL laboratory as part of a predisposition screen in an ostensibly healthy population. It had not been previously curated by ICSL or reported in the Human Gene Mutation Database (HGMD: prior to June 1st, 2018), and was therefore a candidate for classification through an automated scoring system. Utilizing variant allele frequency, disease prevalence and penetrance estimates, and inheritance mode, an automated score was calculated to assess if this variant is too frequent to cause the disease. Based on the score and internal cut-off values, a variant classified as benign is not then subjected to further curation. The score for this variant resulted in a classification of benign for this disease.

Illumina Laboratory Services, Illumina
Classification: Likely benign for Myopathy, myofibrillar, 9, with early respiratory failure. Last evaluated: 2018-01-13. Review status: criteria provided, single submitter. Criteria: ICSL Variant Classification Criteria 13 December 2019. Collection method: clinical testing. Allele origin: germline.
Comment: This variant was observed in the ICSL laboratory as part of a predisposition screen in an ostensibly healthy population. It had not been previously curated by ICSL or reported in the Human Gene Mutation Database (HGMD: prior to June 1st, 2018), and was therefore a candidate for classification through an automated scoring system. Utilizing variant allele frequency, disease prevalence and penetrance estimates, and inheritance mode, an automated score was calculated to assess if this variant is too frequent to cause the disease. Based on the score and internal cut-off values, a variant classified as likely benign is not then subjected to further curation. The score for this variant resulted in a classification of likely benign for this disease.

NM_001267550.2(TTN):c.20418A>C (p.Lys6806Asn)

Gene: TTN (titin; minus strand). Cytogenetic location: 2q31.2.
Variant type: single nucleotide variant.
Coding change: c.20418A>C on transcript NM_001267550.2 (MANE Select); coding-DNA position 20418, A replaced by C.
Protein change: p.Lys6806Asn; replaces lysine 6806 with asparagine.
Molecular consequence: missense variant. On other transcripts: intron variant (3).
Genome position (GRCh38, 1-based): chr2:178,725,904, T>G on the plus strand (A>C on the coding strand, the complement: TTN is on the minus strand). VCF-style: chr2-178725904-T-G. GRCh37 (hg19) VCF-style: chr2-179590631-T-G.
Other names: p.K6489N:AAA>AAC; c.19467A>C, p.Lys6489Asn (NM_001256850.1); c.16686A>C, p.Lys5562Asn (NM_133378.4); c.13282+12178A>C (NM_003319.4); c.13858+12178A>C (NM_133437.4); c.13657+12178A>C (NM_133432.3); short protein forms K6489N, K6806N, K5562N.
Identifiers: ClinVar variation 203288 (VCV000203288.43), dbSNP rs768932465, ClinGen allele CA311930.